The following is an entry in ClinVar:

ClinVar aggregate classification (germline): Pathogenic/Likely pathogenic. Review status: criteria provided, multiple submitters, no conflicts (2 of 4 stars). 14 submissions from 14 submitters: Pathogenic (12); Likely pathogenic (1). 1 of the submissions does not count toward it. Last evaluated 2026-06-08.

Conditions:
Spastic tetraplegia and axial hypotonia, progressive. Also called: SOD1 DEFICIENCY, AUTOSOMAL RECESSIVE. Identifiers: MedGen C5231422, MONDO:0032828, OMIM 618598.
SOD1-related disorder. Also called: SOD1-related condition.
Motor neuron disease. Also called: Degenerative motor system disease; Motor neuron disorder. Identifiers: Orphanet 98503, MedGen C0085084, MONDO:0020128.
Amyotrophic lateral sclerosis type 1 (ALS1). Also called: AMYOTROPHIC LATERAL SCLEROSIS 1, FAMILIAL. Identifiers: Orphanet 803, MedGen C1862939, MONDO:0007103, OMIM 105400.

Allele frequency attached by ClinVar (database versions not stated): gnomAD 0.00001; TOPMed 0.00001; gnomAD exomes 0.00002 and 0.00005.
gnomAD v4.1: 34 of 1,611,670 alleles (0.0021%); highest among the groups gnomAD compares: Non-Finnish European, 0.0025%; no homozygotes.

Submissions 1 to 8 of 14:

PreventionGenetics, part of Exact Sciences
Classification: Pathogenic for SOD1-related condition. Last evaluated: 2026-06-08. Review status: criteria provided, single submitter. Criteria: ACMG Guidelines, 2015. Collection method: clinical testing. Allele origin: germline.
Comment: The SOD1 c.341T>C variant is predicted to result in the amino acid substitution p.Ile114Thr. This variant, previously described as p.Ile113Thr, has been documented to be the most common pathogenic SOD1 variant in amyotrophic lateral sclerosis (ALS) and is also known to display reduced penetrance and variable expressivity of disease (Rosen et al. 1993. PubMed ID: 8446170; Nakamura et al. 2014. PubMed ID: 23773010; Kikugawa et al. 1997. PubMed ID: 10732812; Morgan et al. 2017. PubMed ID: 28430856). Experimental studies indicate this variant affects cell morphology and viability and decreases protein stability (Karumbayaram et al. 2009. PubMed ID: 19259395; Broom et al. 2015. PubMed ID: 26362407). This variant is reported in 0.011% of alleles in individuals of European (non-Finnish) descent in gnomAD and has been classified as pathogenic by multiple laboratories in ClinVar (Variation ID: 197145). This variant is interpreted as pathogenic.

Labcorp Genetics (formerly Invitae), Labcorp
Classification: Pathogenic for Amyotrophic lateral sclerosis type 1. Last evaluated: 2025-12-14. Review status: criteria provided, single submitter. Criteria: Invitae Variant Classification Sherloc (09022015). Collection method: clinical testing. Allele origin: germline.
Comment: This sequence change replaces isoleucine, which is neutral and non-polar, with threonine, which is neutral and polar, at codon 114 of the SOD1 protein (p.Ile114Thr). This variant is present in population databases (rs121912441, gnomAD 0.01%). This missense change has been observed in individuals with autosomal dominant amyotrophic lateral sclerosis (PMID: 2517465, 7673954, 7997024, 17543992). This variant is also known as p.Ile113Thr. ClinVar contains an entry for this variant (Variation ID: 197145). Invitae Evidence Modeling of protein sequence and biophysical properties (such as structural, functional, and spatial information, amino acid conservation, physicochemical variation, residue mobility, and thermodynamic stability) indicates that this missense variant is expected to disrupt SOD1 protein function with a positive predictive value of 95%. Experimental studies have shown that this missense change affects SOD1 function (PMID: 1259395, 19483195, 21549128, 23726301, 26362407). For these reasons, this variant has been classified as Pathogenic.

Clinical Omics and Informatics (COIN) Unit, Neuroscience Institute, University Of Cape Town
Classification: Pathogenic for Amyotrophic lateral sclerosis type 1. Last evaluated: 2025-05-13. Review status: criteria provided, single submitter. Criteria: ACMG Guidelines, 2015. Collection method: research. Allele origin: germline. Inheritance: Autosomal dominant inheritance. Affected: yes. Observed: 1 variant allele, 1 heterozygote.
Comment: The highest population allele frequency in gnomAD v4.0 is 0.00001470 (0.0015%; 1/68038 alleles in the European (non-Finnish population)). No homozygous observations. PP1_Strong: This variant has been reported to segregate in multiple families, with at least two founder events identified in the Australian population (PMID:32789025). PP3_Strong: Revel score is 0.985. PS3_Supporting: Studies demonstrate that this variant increases the inherent aggregation propensity of the SOD1 protein and loss of neurofilaments in neuronal cells (PMID:19483195;12358759). PS4_Met: Variant observed in more than 10 unrelated probands with consistent phenotype for disorder (PMID:28089114;20184521).

Victorian Clinical Genetics Services, Murdoch Childrens Research Institute
Classification: Pathogenic for Amyotrophic lateral sclerosis type 1. Last evaluated: 2024-10-09. Review status: criteria provided, single submitter. Criteria: ACMG Guidelines, 2015. Collection method: clinical testing. Allele origin: germline. Inheritance: Autosomal dominant inheritance.
Comment: Based on the classification scheme VCGS_Germline_v1.3.4, this variant is classified as Pathogenic. Following criteria are met: 0103 - Loss of function and toxic gain of function are known mechanisms of disease in this gene and are associated with amyotrophic lateral sclerosis 1 (MIM#105400). Missense variants have been described with both a loss- and toxic gain of function effect, where protein expression and activity is reduced, but residual protein results in misfolded aggregates (OMIM, PMID: 34721532). (I) 0108 - This gene is known to be associated with both recessive and dominant disease (OMIM). (I) 0200 - Variant is predicted to result in a missense amino acid change from an isoleucine to a threonine. (I) 0251 - Variant is heterozygous. (I) 0302 - Variant is present in gnomAD (v2) <0.001 for a dominant condition (12 heterozygotes, 0 homozygotes). (SP) 0309 - An alternative amino acid change at the same position has been observed in gnomAD (v2) (1 heterozygote, 0 homozygotes). (I) 0501 - Missense variant consistently predicted to be damaging by multiple in-silico tools or highly conserved with a major amino acid change. (SP) 0604 - Variant is not located in an established domain, motif, hotspot or informative constraint region. (I) 0704 - Another missense variant comparable to the one identified in this case has limited previous evidence for pathogenicity. p.(Ile114Pro) has been previously reported in an individual with amyotrophic lateral sclerosis 1 (PMID: 16291929). (SP) 0801 - This variant has strong previous evidence of pathogenicity in unrelated individuals. This variant has been reported eight times as pathogenic and once as likely pathogenic (ClinVar) and has been reported in many individuals with amyotrophic lateral sclerosis 1 (PMIDs: 28430856, 28105640). (I) Legend: (SP) - Supporting pathogenic, (I) - Information, (SB) - Supporting benign

Molecular Genetics, Royal Melbourne Hospital
Classification: Pathogenic for Amyotrophic lateral sclerosis type 1. Last evaluated: 2024-06-13. Review status: criteria provided, single submitter. Criteria: ACMG Guidelines, 2015. Collection method: clinical testing. Allele origin: germline. Affected: yes.
Comment: This sequence change in SOD1 is predicted to replace isoleucine with threonine at codon 114, p.(Ile114Thr) (also known as p.Ile113Thr). The isoleucine residue is highly conserved (100 vertebrates, UCSC), and is located in copper/zinc superoxide dismutase domain. There is a moderate physicochemical difference between isoleucine and threonine. The highest population minor allele frequency in gnomAD v4.1 is 0.003% (30/1,177,824 alleles) in the European (non-Finnish) population. The prevalence of the variant in affected individuals is significantly increased compared with the prevalence in controls (odds ratio 200, 95% CI: 23.3-1711; cases - PMID: 28430856; controls - non-neuro non-Finnish European cohort gnomAD v2.1). It is the most common pathogenic SOD1 variant and has been associated with incomplete penetrance. The variant has been reported to segregate with amyotrophic lateral sclerosis (ALS) in multiple families, with at least two founder events identified in the Australian population (PMID: 32789025). Expression of the variant in human embryonic stem cell-derived motor neurones resulted in motor neurones with characteristics of ALS-related degeneration (PMID: 19259395). Computational evidence predicts a deleterious effect for the missense substitution (REVEL = 0.985). Based on the classification scheme RMH Modified ACMG/AMP Guidelines v1.6.1, this variant is classified as PATHOGENIC. Following criteria are met: PS4, PP1_Strong, PS3_Supporting, PP3_Moderate.

Mayo Clinic Laboratories, Mayo Clinic
Classification: Pathogenic. Last evaluated: 2023-11-28. Review status: criteria provided, single submitter. Criteria: ACMG Guidelines, 2015. Collection method: clinical testing. Allele origin: germline.
Comment: PP3, PM2_moderate, PS3, PS4_moderate

Women's Health and Genetics/Laboratory Corporation of America, LabCorp
Classification: Pathogenic for Amyotrophic lateral sclerosis type 1. Last evaluated: 2023-11-17. Review status: criteria provided, single submitter. Criteria: LabCorp Variant Classification Summary - May 2015. Collection method: clinical testing. Allele origin: germline.
Comment: Variant summary: SOD1 c.341T>C (p.Ile114Thr) results in a non-conservative amino acid change in the encoded protein sequence. Five of five in-silico tools predict a damaging effect of the variant on protein function. The variant allele was found at a frequency of 4.8e-05 in 251478 control chromosomes. c.341T>C has been reported in the literature in multiple individuals affected with Amyotrophic Lateral Sclerosis (Pfister_2013). These data indicate that the variant is very likely to be associated with disease. At least one publication reports experimental evidence and showed that this mutation affects cell morphology and viability (Karumbayaram_2009). Six submitters have cited clinical-significance assessments for this variant to ClinVar after 2014. All submitters classified the variant as pathogenic/likely pathogenic. Based on the evidence outlined above, the variant was classified as pathogenic.

MGZ Medical Genetics Center
Classification: Likely pathogenic for Amyotrophic lateral sclerosis type 1. Last evaluated: 2022-07-07. Review status: criteria provided, single submitter. Criteria: ACMG Guidelines, 2015. Collection method: clinical testing. Allele origin: germline. Affected: yes. Observed: 1 variant allele.
Comment: ACMG criteria applied: PS3_MOD, PS4_MOD, PP1, PP2, PP3

NM_000454.5(SOD1):c.341T>C (p.Ile114Thr)

Gene: SOD1 (superoxide dismutase 1; plus strand). Cytogenetic location: 21q22.11.
Variant type: single nucleotide variant.
Coding change: c.341T>C on transcript NM_000454.5 (MANE Select); coding-DNA position 341, T replaced by C.
Protein change: p.Ile114Thr; replaces isoleucine 114 with threonine.
Molecular consequence: missense variant.
Genome position (GRCh38, 1-based): chr21:31,667,359, T>C. VCF-style: chr21-31667359-T-C. GRCh37 (hg19) VCF-style: chr21-33039672-T-C.
Other names: short protein forms I114T.
Identifiers: ClinVar variation 197145 (VCV000197145.36), dbSNP rs121912441, ClinGen allele CA275244.